The following is an entry in ClinVar:

NM_001987.5(ETV6):c.1015A>T (p.Arg339Ter)

Genes: ETV6 (ETS variant transcription factor 6; plus strand), LOC126861452 (CDK7 strongly-dependent group 2 enhancer GRCh37_chr12:12037195-12038394; plus strand). Cytogenetic location: 12p13.2.
Variant type: single nucleotide variant.
Coding change: c.1015A>T on transcript NM_001987.5 (MANE Select); coding-DNA position 1015, A replaced by T.
Protein change: p.Arg339Ter; replaces arginine 339 with a stop codon.
Molecular consequence: nonsense. On other transcripts: intron variant (1).
Genome position (GRCh38, 1-based): chr12:11,884,450, A>T. VCF-style: chr12-11884450-A-T. GRCh37 (hg19) VCF-style: chr12-12037384-A-T.
Other names: c.1012A>T, p.Arg338Ter (NM_001413913.1); c.988A>T, p.Arg330Ter (NM_001413914.1); c.751A>T, p.Arg251Ter (NM_001413915.1); c.1010-6491A>T (NM_001413917.1); short protein forms R251*, R330*, R338*, R339*.
Identifiers: ClinVar variation 3343928 (VCV003343928.3).

ClinVar aggregate classification (germline): Pathogenic. Review status: criteria provided, multiple submitters, no conflicts (2 of 4 stars). 2 submissions from 2 submitters: Pathogenic (2). Last evaluated 2026-02-23.

Submissions (2):

GeneDx
Classification: Pathogenic. Last evaluated: 2026-02-23. Review status: criteria provided, single submitter. Criteria: GeneDx Variant Classification Process June 2021. Collection method: clinical testing. Allele origin: germline.
Comment: Not observed at significant frequency in large population cohorts (gnomAD); Has not been previously published as pathogenic or benign to our knowledge; Nonsense variant predicted to result in protein truncation or nonsense mediated decay in a gene for which loss of function is a known mechanism of disease

Labcorp Genetics (formerly Invitae), Labcorp
Classification: Pathogenic. Last evaluated: 2025-11-06. Review status: criteria provided, single submitter. Criteria: Invitae Variant Classification Sherloc (09022015). Collection method: clinical testing. Allele origin: germline.
Comment: This sequence change creates a premature translational stop signal (p.Arg339*) in the ETV6 gene. It is expected to result in an absent or disrupted protein product. Loss-of-function variants in ETV6 are known to be pathogenic (PMID: 26102509, 27365488, 29034503). This variant is not present in population databases (gnomAD no frequency). This variant has not been reported in the literature in individuals affected with ETV6-related conditions. ClinVar contains an entry for this variant (Variation ID: 3343928). For these reasons, this variant has been classified as Pathogenic.

Literature cited by the submitters: PubMed 26102509 (cited by Labcorp Genetics (formerly Invitae), Labcorp); PubMed 27365488 (cited by Labcorp Genetics (formerly Invitae), Labcorp); PubMed 29034503 (cited by Labcorp Genetics (formerly Invitae), Labcorp).